The following is an entry in ClinVar:

ClinVar aggregate classification (germline): Uncertain significance (1 of 4 stars; one submission).

Conditions:
Usher syndrome type 3B. Also called: USHER SYNDROME, TYPE IIIB. Identifiers: MedGen C3281066, MONDO:0013788, OMIM 614504.

Submission:

Labcorp Genetics (formerly Invitae), Labcorp
Classification: Uncertain significance for Usher syndrome type 3B. Last evaluated: 2019-01-27. Review status: criteria provided, single submitter. Criteria: Invitae Variant Classification Sherloc (09022015). Collection method: clinical testing. Allele origin: germline.
Comment: This sequence change replaces aspartic acid with asparagine at codon 48 of the HARS protein (p.Asp48Asn). The aspartic acid residue is moderately conserved and there is a small physicochemical difference between aspartic acid and asparagine. In summary, the available evidence is currently insufficient to determine the role of this variant in disease. Therefore, it has been classified as a Variant of Uncertain Significance. Algorithms developed to predict the effect of missense changes on protein structure and function (SIFT, PolyPhen-2, Align-GVGD) all suggest that this variant is likely to be tolerated, but these predictions have not been confirmed by published functional studies and their clinical significance is uncertain. This variant has not been reported in the literature in individuals with HARS-related conditions. This variant is not present in population databases (ExAC no frequency).

NM_002109.6(HARS1):c.142G>A (p.Asp48Asn)

Gene: HARS1 (histidyl-tRNA synthetase 1; minus strand). Cytogenetic location: 5q31.3.
Variant type: single nucleotide variant.
Coding change: c.142G>A on transcript NM_002109.6 (MANE Select); coding-DNA position 142, G replaced by A.
Protein change: p.Asp48Asn; replaces aspartic acid 48 with asparagine.
Molecular consequence: missense variant.
Genome position (GRCh38, 1-based): chr5:140,690,893, C>T on the plus strand (G>A on the coding strand, the complement: HARS1 is on the minus strand). VCF-style: chr5-140690893-C-T. GRCh37 (hg19) VCF-style: chr5-140070478-C-T.
Other names: c.142G>A, p.Asp48Asn (NM_001258040.3, NM_001258041.3, NM_001258042.3 and 2 more transcripts); c.55G>A, p.Asp19Asn (NM_001289094.2); short protein forms D48N, D19N.
Identifiers: ClinVar variation 849134 (VCV000849134.9), dbSNP rs1759376273, ClinGen allele CA361191440.